The following is an entry in ClinVar:

NM_016151.4(TAOK2):c.2833G>C (p.Gly945Arg)

Gene: TAOK2 (TAO kinase 2; plus strand). Cytogenetic location: 16p11.2.
Variant type: single nucleotide variant.
Coding change: c.2833G>C on transcript NM_016151.4 (MANE Select); coding-DNA position 2833, G replaced by C.
Protein change: p.Gly945Arg; replaces glycine 945 with arginine.
Molecular consequence: missense variant. On other transcripts: intron variant (1).
Genome position (GRCh38, 1-based): chr16:29,987,105, G>C. VCF-style: chr16-29987105-G-C. GRCh37 (hg19) VCF-style: chr16-29998426-G-C.
Other names: c.2494G>C, p.Gly832Arg (NM_001252043.2); c.2232+601G>C (NM_004783.4); short protein forms G945R, G832R.
Identifiers: ClinVar variation 2037234 (VCV002037234.4), dbSNP rs1234999758, ClinGen allele CA395496723.

ClinVar aggregate classification (germline): Uncertain significance (1 of 4 stars; one submission).

gnomAD v4.1: 1 of 1,613,018 alleles (0.000062%); highest among the groups gnomAD compares: Non-Finnish European, 0.000085%; no homozygotes.

Submission:

Labcorp Genetics (formerly Invitae), Labcorp
Classification: Uncertain significance. Last evaluated: 2022-10-17. Review status: criteria provided, single submitter. Criteria: Invitae Variant Classification Sherloc (09022015). Collection method: clinical testing. Allele origin: germline.
Comment: In summary, the available evidence is currently insufficient to determine the role of this variant in disease. Therefore, it has been classified as a Variant of Uncertain Significance. Algorithms developed to predict the effect of missense changes on protein structure and function are either unavailable or do not agree on the potential impact of this missense change (SIFT: "Deleterious"; PolyPhen-2: "Probably Damaging"; Align-GVGD: "Class C0"). This variant has not been reported in the literature in individuals affected with TAOK2-related conditions. This variant is not present in population databases (gnomAD no frequency). This sequence change replaces glycine, which is neutral and non-polar, with arginine, which is basic and polar, at codon 945 of the TAOK2 protein (p.Gly945Arg).